The following is an entry in ClinVar:

ClinVar aggregate classification (germline): Uncertain significance. Review status: criteria provided, multiple submitters, no conflicts (2 of 4 stars). 3 submissions from 3 submitters: Uncertain significance (3). Last evaluated 2026-09-11.

Conditions:
Inborn genetic diseases. Identifiers: MedGen C0950123, MeSH D030342.

Allele frequency attached by ClinVar (database versions not stated): gnomAD exomes 0.00001; TOPMed 0.00003; gnomAD 0.00004 and 0.00003; ExAC 0.00001.
gnomAD v4.1: 19 of 1,595,032 alleles (0.0012%); highest among the groups gnomAD compares: Non-Finnish European, 0.0015%; no homozygotes.

Submissions (3):

Ambry Genetics
Classification: Uncertain significance for Inborn genetic diseases. Last evaluated: 2026-09-11. Review status: criteria provided, single submitter. Criteria: Ambry Variant Classification Scheme 2023. Collection method: clinical testing. Allele origin: germline.

Labcorp Genetics (formerly Invitae), Labcorp
Classification: Uncertain significance. Last evaluated: 2025-04-15. Review status: criteria provided, single submitter. Criteria: Invitae Variant Classification Sherloc (09022015). Collection method: clinical testing. Allele origin: germline.
Comment: This sequence change replaces lysine, which is basic and polar, with glutamic acid, which is acidic and polar, at codon 100 of the SRP54 protein (p.Lys100Glu). This variant is present in population databases (rs750470973, gnomAD 0.003%). This variant has not been reported in the literature in individuals affected with SRP54-related conditions. ClinVar contains an entry for this variant (Variation ID: 1337946). Invitae Evidence Modeling of protein sequence and biophysical properties (such as structural, functional, and spatial information, amino acid conservation, physicochemical variation, residue mobility, and thermodynamic stability) indicates that this missense variant is not expected to disrupt SRP54 protein function with a negative predictive value of 80%. In summary, the available evidence is currently insufficient to determine the role of this variant in disease. Therefore, it has been classified as a Variant of Uncertain Significance.

Genetic Services Laboratory, University of Chicago
Classification: Uncertain significance. Last evaluated: 2021-05-26. Review status: criteria provided, single submitter. Criteria: ACMG Guidelines, 2015. Collection method: clinical testing. Allele origin: germline. Affected: no.
Comment: DNA sequence analysis of the SRP54 gene demonstrated a sequence change, c.298A>G, in exon 5 that results in an amino acid change, p.Lys100Glu. This sequence change has been described in gnomAD with a frequency of 0.0027% in the Non-Finnish European sub-population (dbSNP rs750470973). The p.Lys100Glu change affects a highly conserved amino acid residue located in a domain of the SRP54 protein that is known to be functional. In-silico pathogenicity prediction tools (SIFT, PolyPhen2, Align GVGD, REVEL) provide contradictory results for the p.Lys100Glu substitution. This sequence change does not appear to have been previously described in patients with SRP54-related disorders. Due to the lack of sufficient evidences, the clinical significance of the p.Lys100Glu change remains unknown at this time.

NM_003136.4(SRP54):c.298A>G (p.Lys100Glu)

Gene: SRP54 (signal recognition particle 54; plus strand). Cytogenetic location: 14q13.2.
Variant type: single nucleotide variant.
Coding change: c.298A>G on transcript NM_003136.4 (MANE Select); coding-DNA position 298, A replaced by G.
Protein change: p.Lys100Glu; replaces lysine 100 with glutamic acid.
Molecular consequence: missense variant.
Genome position (GRCh38, 1-based): chr14:35,007,325, A>G. VCF-style: chr14-35007325-A-G. GRCh37 (hg19) VCF-style: chr14-35476531-A-G.
Other names: c.151A>G, p.Lys51Glu (NM_001146282.2); short protein forms K100E, K51E.
Identifiers: ClinVar variation 1337946 (VCV001337946.9), dbSNP rs750470973, ClinGen allele CA7153549.